The following is an entry in ClinVar:

NM_178822.5(IGSF10):c.6772C>T (p.His2258Tyr)

Gene: IGSF10 (immunoglobulin superfamily member 10; minus strand). Cytogenetic location: 3q25.1.
Variant type: single nucleotide variant.
Coding change: c.6772C>T on transcript NM_178822.5 (MANE Select); coding-DNA position 6772, C replaced by T.
Protein change: p.His2258Tyr; replaces histidine 2258 with tyrosine.
Molecular consequence: missense variant.
Genome position (GRCh38, 1-based): chr3:151,437,789, G>A on the plus strand (C>T on the coding strand, the complement: IGSF10 is on the minus strand). VCF-style: chr3-151437789-G-A. GRCh37 (hg19) VCF-style: chr3-151155577-G-A.
Other names: c.709C>T, p.His237Tyr (NM_001178145.3, NM_001178146.3); c.6772C>T, p.His2258Tyr (NM_001385060.1, NM_001385061.1, NM_001385062.1 and 1 more transcripts); short protein forms H2258Y, H237Y.
Identifiers: ClinVar variation 1924918 (VCV001924918.5), dbSNP rs891202112, ClinGen allele CA85728023.

ClinVar aggregate classification (germline): Uncertain significance (1 of 4 stars; one submission).

Allele frequency attached by ClinVar (database versions not stated): gnomAD 0.00001.
gnomAD v4.1: 14 of 1,613,668 alleles (0.00087%); highest among the groups gnomAD compares: East Asian, 0.0022%; no homozygotes.

Submission:

Labcorp Genetics (formerly Invitae), Labcorp
Classification: Uncertain significance. Last evaluated: 2022-05-08. Review status: criteria provided, single submitter. Criteria: Invitae Variant Classification Sherloc (09022015). Collection method: clinical testing. Allele origin: germline.
Comment: This sequence change replaces histidine, which is basic and polar, with tyrosine, which is neutral and polar, at codon 2258 of the IGSF10 protein (p.His2258Tyr). This variant is present in population databases (no rsID available, gnomAD 0.002%). This variant has not been reported in the literature in individuals affected with IGSF10-related conditions. Algorithms developed to predict the effect of missense changes on protein structure and function output the following: SIFT: "Tolerated"; PolyPhen-2: "Benign"; Align-GVGD: "Class C0". The tyrosine amino acid residue is found in multiple mammalian species, which suggests that this missense change does not adversely affect protein function. In summary, the available evidence is currently insufficient to determine the role of this variant in disease. Therefore, it has been classified as a Variant of Uncertain Significance.